The following is an entry in ClinVar:

ClinVar aggregate classification (germline): Uncertain significance (1 of 4 stars; one submission).

gnomAD v4.1: 2 of 1,609,398 alleles (0.00012%); highest among the groups gnomAD compares: Non-Finnish European, 0.00017%; no homozygotes.

Submission:

Labcorp Genetics (formerly Invitae), Labcorp
Classification: Uncertain significance. Last evaluated: 2025-12-01. Review status: criteria provided, single submitter. Criteria: Invitae Variant Classification Sherloc (09022015). Collection method: clinical testing. Allele origin: germline.
Comment: This sequence change replaces threonine, which is neutral and polar, with isoleucine, which is neutral and non-polar, at codon 606 of the RIMS1 protein (p.Thr606Ile). This variant is not present in population databases (gnomAD no frequency). This variant has not been reported in the literature in individuals affected with RIMS1-related conditions. An algorithm developed to predict the effect of missense changes on protein structure and function (PolyPhen-2) suggests that this variant is likely to be disruptive. In summary, the available evidence is currently insufficient to determine the role of this variant in disease. Therefore, it has been classified as a Variant of Uncertain Significance.

NM_014989.7(RIMS1):c.1817C>T (p.Thr606Ile)

Gene: RIMS1 (regulating synaptic membrane exocytosis 1; plus strand). Cytogenetic location: 6q13.
Variant type: single nucleotide variant.
Coding change: c.1817C>T on transcript NM_014989.7 (MANE Select); coding-DNA position 1817, C replaced by T.
Protein change: p.Thr606Ile; replaces threonine 606 with isoleucine.
Molecular consequence: missense variant. On other transcripts: 5 prime UTR variant (9).
Genome position (GRCh38, 1-based): chr6:72,235,688, C>T. VCF-style: chr6-72235688-C-T. GRCh37 (hg19) VCF-style: chr6-72945391-C-T.
Other names: c.239C>T, p.Thr80Ile (NM_001168407.2, NM_001168408.2, NM_001350414.2 and 37 more transcripts); c.-5C>T (NM_001168409.2, NM_001350468.2, NM_001350469.2 and 6 more transcripts); c.194C>T, p.Thr65Ile (NM_001168410.2, NM_001350470.2, NM_001350472.2 and 2 more transcripts); c.170C>T, p.Thr57Ile (NM_001350421.2, NM_001350424.2, NM_001350471.2 and 6 more transcripts); short protein forms T80I, T57I, T65I, T606I.
Identifiers: ClinVar variation 4777321 (VCV004777321.1).